The following is an entry in ClinVar:

NM_001364171.2(ODAD1):c.1072-7C>T

Gene: ODAD1 (outer dynein arm docking complex subunit 1; minus strand). Cytogenetic location: 19q13.33.
Variant type: single nucleotide variant.
Coding change: c.1072-7C>T on transcript NM_001364171.2 (MANE Select); 7 bases into the intron before coding-DNA position 1072, C replaced by T.
Molecular consequence: intron variant.
Genome position (GRCh38, 1-based): chr19:48,302,869, G>A on the plus strand (C>T on the coding strand, the complement: ODAD1 is on the minus strand). VCF-style: chr19-48302869-G-A. GRCh37 (hg19) VCF-style: chr19-48806126-G-A.
Other names: c.961-7C>T (NM_144577.4).
Identifiers: ClinVar variation 2010648 (VCV002010648.4), dbSNP rs1600860434, ClinGen allele CA2339831279.

ClinVar aggregate classification (germline): Uncertain significance (1 of 4 stars; one submission).

Conditions:
Primary ciliary dyskinesia. Also called: Ciliary dyskinesia. Identifiers: Orphanet 244, MedGen C0008780, MONDO:0016575, HP:0012265.

Allele frequency attached by ClinVar (database versions not stated): TOPMed below 0.00001.
gnomAD v4.1: 8 of 1,613,892 alleles (0.0005%); highest among the groups gnomAD compares: Non-Finnish European, 0.00059%; no homozygotes.

Submission:

Labcorp Genetics (formerly Invitae), Labcorp
Classification: Uncertain significance for Primary ciliary dyskinesia. Last evaluated: 2022-07-17. Review status: criteria provided, single submitter. Criteria: Invitae Variant Classification Sherloc (09022015). Collection method: clinical testing. Allele origin: germline.
Comment: In summary, the available evidence is currently insufficient to determine the role of this variant in disease. Therefore, it has been classified as a Variant of Uncertain Significance. Algorithms developed to predict the effect of sequence changes on RNA splicing suggest that this variant may disrupt the consensus splice site. This variant has not been reported in the literature in individuals affected with CCDC114-related conditions. This variant is not present in population databases (gnomAD no frequency). This sequence change falls in intron 9 of the CCDC114 gene. It does not directly change the encoded amino acid sequence of the CCDC114 protein.